The following is an entry in ClinVar:

ClinVar aggregate classification (germline): Likely pathogenic (1 of 4 stars; one submission).

Conditions:
Alport syndrome. Also called: Hemorrhagic familial nephritis; Hemorrhagic hereditary nephritis; Congenital hereditary hematuria. Identifiers: Orphanet 63, MedGen C1567741, MONDO:0018965.

Submission:

Natera, Inc.
Classification: Likely pathogenic for Alport syndrome. Last evaluated: 2025-01-07. Review status: criteria provided, single submitter. Criteria: Natera Variant Classification Schema (03/2026). Collection method: clinical testing. Allele origin: germline.
Comment: The c.3262G>C variant in COL4A4 is a missense variant predicted to cause substitution of glycine to arginine at amino acid 1088. This variant is rare in the general population with a frequency below the threshold expected for the associated phenotype(s). This variant has been observed in one or more individuals affected with the associated recessive disease, as either homozygous or compound heterozygous with a second variant (PMID: 35369551). This variant is located in a functionally critical region of the protein. Computational prediction algorithms indicate this variant is likely to affect gene or protein function. Given the available evidence, this variant is classified as Likely Pathogenic.

Literature cited by the submitters: PubMed 35369551.

NM_000092.5(COL4A4):c.3262G>C (p.Gly1088Arg)

Gene: COL4A4 (collagen type IV alpha 4 chain; minus strand). Cytogenetic location: 2q36.3.
Variant type: single nucleotide variant.
Coding change: c.3262G>C on transcript NM_000092.5 (MANE Select); coding-DNA position 3262, G replaced by C.
Protein change: p.Gly1088Arg; replaces glycine 1088 with arginine.
Molecular consequence: missense variant.
Genome position (GRCh38, 1-based): chr2:227,047,502, C>G on the plus strand (G>C on the coding strand, the complement: COL4A4 is on the minus strand). VCF-style: chr2-227047502-C-G. GRCh37 (hg19) VCF-style: chr2-227912218-C-G.
Other names: short protein forms G1088R.
Identifiers: ClinVar variation 4065074 (VCV004065074.2).